The following is an entry in ClinVar:

NM_018344.6(SLC29A3):c.146G>C (p.Arg49Pro)

Gene: SLC29A3 (solute carrier family 29 member 3; plus strand). Cytogenetic location: 10q22.1.
Variant type: single nucleotide variant.
Coding change: c.146G>C on transcript NM_018344.6 (MANE Select); coding-DNA position 146, G replaced by C.
Protein change: p.Arg49Pro; replaces arginine 49 with proline.
Molecular consequence: missense variant. On other transcripts: 5 prime UTR variant (1), non-coding transcript variant (2).
Genome position (GRCh38, 1-based): chr10:71,322,900, G>C. VCF-style: chr10-71322900-G-C. GRCh37 (hg19) VCF-style: chr10-73082657-G-C.
Other names: c.146G>C, p.Arg49Pro (NM_001174098.2); c.-89G>C (NM_001363518.2); short protein forms R49P.
Identifiers: ClinVar variation 567196 (VCV000567196.12), dbSNP rs201610819, ClinGen allele CA5542833.
Genomic context (GRCh38, chr10:71,322,900, plus strand): 5'-AGGCACTGCTTGAGAAGCTGCTGGACCGCCCGCCCCCTGGCCTGCAGAGGCCCGAGGACC[G>C]CTTCTGTGGCACATACATCATCTTCTTCAGCCTGGGCATTGGCAGTCTACTGCCATGGAA-3'
Protein context (NP_060814.4, residues 39-59): PPPGLQRPED[Arg49Pro]FCGTYIIFFS

ClinVar aggregate classification (germline): Uncertain significance. Review status: criteria provided, multiple submitters, no conflicts (2 of 4 stars). 6 submissions from 6 submitters: Uncertain significance (6). Last evaluated 2026-07-22.

Conditions:
H syndrome. Also called: Pigmented hypertrichosis and insulin-dependent diabetes mellitus; Asrar Facharzt Haque syndrome; FAISALABAD HISTIOCYTOSIS; HISTIOCYTOSIS AND LYMPHADENOPATHY WITH OR WITHOUT CUTANEOUS, CARDIAC, AND/OR ENDOCRINE FEATURES, JOINT CONTRACTURES, AND/OR DEAFNESS; HYPERPIGMENTATION, CUTANEOUS, WITH HYPERTRICHOSIS, HEPATOSPLENOMEGALY, HEART ANOMALIES, AND HYPOGONADISM WITH OR WITHOUT HEARING LOSS; PIGMENTED HYPERTRICHOSIS WITH INSULIN-DEPENDENT DIABETES MELLITUS. Identifiers: Orphanet 168569, MedGen C1864445, MONDO:0011273, OMIM 602782.
SLC29A3-related disorder. Also called: SLC29A3-related condition.

Allele frequency attached by ClinVar (database versions not stated): gnomAD 0.00003; TOPMed 0.00005; 1000 Genomes Project 30x 0.00016; 1000 Genomes Project 0.00020.
gnomAD v4.1: 71 of 1,614,242 alleles (0.0044%); highest among the groups gnomAD compares: Admixed American, 0.11%; no homozygotes.

Submissions (6):

PreventionGenetics, part of Exact Sciences
Classification: Uncertain significance for SLC29A3-related condition. Last evaluated: 2026-07-22. Review status: criteria provided, single submitter. Criteria: ACMG Guidelines, 2015. Collection method: clinical testing. Allele origin: germline.
Comment: The SLC29A3 c.146G>C variant is predicted to result in the amino acid substitution p.Arg49Pro. This variant was reported in an individual with Systemic lupus erythematous, neuropsychiatric (Table 2, Jafarpour et al. 2022. PubMed ID: 35960392). This variant is reported in 0.14% of alleles in individuals of Latino descent in gnomAD. Although we suspect that this variant may be benign, at this time, the clinical significance of this variant is uncertain due to the absence of conclusive functional and genetic evidence.

Women's Health and Genetics/Laboratory Corporation of America, LabCorp
Classification: Uncertain significance. Last evaluated: 2026-04-14. Review status: criteria provided, single submitter. Criteria: LabCorp Variant Classification Summary - May 2015. Collection method: clinical testing. Allele origin: germline.
Comment: Variant summary: SLC29A3 c.146G>C (p.Arg49Pro) results in a non-conservative amino acid change in the encoded protein sequence. Algorithms developed to predict the effect of missense changes on protein structure and function all suggest that this variant is likely to be disruptive. The variant allele was found at a frequency of 0.0002 in 251348 control chromosomes. This frequency is not significantly higher than estimated for disease-causing variants in SLC29A3, allowing no conclusion about variant significance. To our knowledge, no occurrence of c.146G>C in individuals affected with SLC29A3-related conditions and no experimental evidence demonstrating its impact on protein function have been reported. ClinVar contains an entry for this variant (Variation ID: 567196). Based on the evidence outlined above, the variant was classified as uncertain significance.

Labcorp Genetics (formerly Invitae), Labcorp
Classification: Uncertain significance for H syndrome. Last evaluated: 2022-10-28. Review status: criteria provided, single submitter. Criteria: Invitae Variant Classification Sherloc (09022015). Collection method: clinical testing. Allele origin: germline.
Comment: This sequence change replaces arginine, which is basic and polar, with proline, which is neutral and non-polar, at codon 49 of the SLC29A3 protein (p.Arg49Pro). This variant is present in population databases (rs201610819, gnomAD 0.1%). This variant has not been reported in the literature in individuals affected with SLC29A3-related conditions. ClinVar contains an entry for this variant (Variation ID: 567196). Advanced modeling of protein sequence and biophysical properties (such as structural, functional, and spatial information, amino acid conservation, physicochemical variation, residue mobility, and thermodynamic stability) performed at Invitae indicates that this missense variant is not expected to disrupt SLC29A3 protein function. In summary, the available evidence is currently insufficient to determine the role of this variant in disease. Therefore, it has been classified as a Variant of Uncertain Significance.

GeneDx
Classification: Uncertain significance. Last evaluated: 2022-08-20. Review status: criteria provided, single submitter. Criteria: GeneDx Variant Classification Process June 2021. Collection method: clinical testing. Allele origin: germline. Affected: yes.
Comment: In silico analysis supports that this missense variant has a deleterious effect on protein structure/function; Has not been previously published as pathogenic or benign to our knowledge

Fulgent Genetics
Classification: Uncertain significance for H syndrome. Last evaluated: 2018-10-31. Review status: criteria provided, single submitter. Criteria: ACMG Guidelines, 2015. Collection method: clinical testing. Allele origin: unknown.

Breakthrough Genomics
Classification: Uncertain significance. Review status: criteria provided, single submitter. Criteria: ACMG Guidelines, 2015. Collection method: not provided. Allele origin: germline. Inheritance: Autosomal recessive inheritance. Affected: yes.